The following is an entry in ClinVar:

NM_013447.4(ADGRE2):c.355_355+7del

Gene: ADGRE2 (adhesion G protein-coupled receptor E2; minus strand). Cytogenetic location: 19p13.12.
Variant type: Deletion.
Coding change: c.355_355+7del on transcript NM_013447.4 (MANE Select); coding-DNA position 355 through 7 bases into the intron after coding-DNA position 355, 8 bases deleted (GGTAAGAA; older notation c.355_355+7delGGTAAGAA).
Molecular consequence: splice donor variant.
Genome position (GRCh38, 1-based): chr19:14,772,335-14,772,342, TTCTTACC deleted on the plus strand (GGTAAGAA on the coding strand, the reverse complement: ADGRE2 is on the minus strand); deleting any 8 consecutive bases within chr19:14,772,335-14,772,344 gives the same sequence; the c. name uses the placement nearest the transcript's 3' end. VCF-style (leftmost placement, unchanged base first): chr19-14772334-GTTCTTACC-G. GRCh37 (hg19) VCF-style: chr19-14883146-GTTCTTACC-G.
Other names: c.355_355+7del (NM_152917.2, NM_152916.2, NM_001271052.1).
Identifiers: ClinVar variation 2749993 (VCV002749993.3), dbSNP rs2513327258, ClinGen allele CA2697556338.

ClinVar aggregate classification (germline): Uncertain significance (1 of 4 stars; one submission).

Submission:

Labcorp Genetics (formerly Invitae), Labcorp
Classification: Uncertain significance. Last evaluated: 2023-08-04. Review status: criteria provided, single submitter. Criteria: Invitae Variant Classification Sherloc (09022015). Collection method: clinical testing. Allele origin: germline.
Comment: In summary, the available evidence is currently insufficient to determine the role of this variant in disease. Therefore, it has been classified as a Variant of Uncertain Significance. Algorithms developed to predict the effect of sequence changes on RNA splicing suggest that this variant may disrupt the consensus splice site. This variant has not been reported in the literature in individuals affected with ADGRE2-related conditions. This variant is not present in population databases (gnomAD no frequency). This variant results in the deletion of part of exon 5 (c.355_355+7del) of the ADGRE2 gene. It is expected to disrupt RNA splicing. Variants that disrupt the donor or acceptor splice site typically lead to a loss of protein function (PMID: 16199547), however the current clinical and genetic evidence is not sufficient to establish whether loss-of-function variants in ADGRE2 cause disease.

Literature cited by the submitters: PubMed 16199547.